The following is an entry in ClinVar:

NM_020923.3(ZDBF2):c.6838G>A (p.Glu2280Lys)

Gene: ZDBF2 (zinc finger DBF-type containing 2; plus strand). Cytogenetic location: 2q33.3.
Variant type: single nucleotide variant.
Coding change: c.6838G>A on transcript NM_020923.3 (MANE Select); coding-DNA position 6838, G replaced by A.
Protein change: p.Glu2280Lys; replaces glutamic acid 2280 with lysine.
Molecular consequence: missense variant.
Genome position (GRCh38, 1-based): chr2:206,311,366, G>A. VCF-style: chr2-206311366-G-A. GRCh37 (hg19) VCF-style: chr2-207176090-G-A.
Other names: c.6838G>A, p.Glu2280Lys (NM_001369654.1); c.6832G>A, p.Glu2278Lys (NM_001285549.2); short protein forms E2278K, E2280K.
Identifiers: ClinVar variation 2901495 (VCV002901495.3), dbSNP rs764194697, ClinGen allele CA2072713.
Genomic context (GRCh38, chr2:206,311,366, plus strand): 5'-AAGAAGGCGAAGAGAACAGCTAAAGTGCTTTTGAACTCTTCAGTTCCACCAGCTGGTGCC[G>A]AAGAGCTGTCAAGCGCTATGGCAAATCCTCCTCCAAAGCGACCTGTGCGGGCTTCTTGCC-3'
Protein context (NP_065974.1, residues 2270-2290): LNSSVPPAGA[Glu2280Lys]ELSSAMANPP

ClinVar aggregate classification (germline): Uncertain significance (1 of 4 stars; one submission).

Allele frequency attached by ClinVar (database versions not stated): TOPMed 0.00002; gnomAD 0.00003; gnomAD exomes 0.00005; ExAC 0.00007.
gnomAD v4.1: 69 of 1,605,756 alleles (0.0043%); highest among the groups gnomAD compares: South Asian, 0.038%; no homozygotes.

Submission:

Labcorp Genetics (formerly Invitae), Labcorp
Classification: Uncertain significance. Last evaluated: 2023-04-06. Review status: criteria provided, single submitter. Criteria: Invitae Variant Classification Sherloc (09022015). Collection method: clinical testing. Allele origin: germline.
Comment: This sequence change replaces glutamic acid, which is acidic and polar, with lysine, which is basic and polar, at codon 2280 of the ZDBF2 protein (p.Glu2280Lys). This variant is present in population databases (rs764194697, gnomAD 0.04%). This variant has not been reported in the literature in individuals affected with ZDBF2-related conditions. Algorithms developed to predict the effect of missense changes on protein structure and function output the following: SIFT: "Not Available"; PolyPhen-2: "Benign"; Align-GVGD: "Not Available". The lysine amino acid residue is found in multiple mammalian species, which suggests that this missense change does not adversely affect protein function. In summary, the available evidence is currently insufficient to determine the role of this variant in disease. Therefore, it has been classified as a Variant of Uncertain Significance.